The following is an entry in ClinVar:

ClinVar aggregate classification (germline): Uncertain significance (1 of 4 stars; one submission).

Submission:

CeGaT Center for Human Genetics Tuebingen
Classification: Uncertain significance. Last evaluated: 2026-02-01. Review status: criteria provided, single submitter. Criteria: CeGaT Center For Human Genetics Tuebingen Variant Classification Criteria Version 2. Collection method: clinical testing. Allele origin: germline. Affected: yes. Observed: 1 variant allele.
Comment: RUNX1: PM2

NM_001754.5(RUNX1):c.924C>G (p.Ser308Arg)

Gene: RUNX1 (RUNX family transcription factor 1; minus strand). Cytogenetic location: 21q22.12.
Variant type: single nucleotide variant.
Coding change: c.924C>G on transcript NM_001754.5 (MANE Select); coding-DNA position 924, C replaced by G.
Protein change: p.Ser308Arg; replaces serine 308 with arginine.
Molecular consequence: missense variant.
Genome position (GRCh38, 1-based): chr21:34,799,344, G>C on the plus strand (C>G on the coding strand, the complement: RUNX1 is on the minus strand). VCF-style: chr21-34799344-G-C. GRCh37 (hg19) VCF-style: chr21-36171641-G-C.
Other names: c.843C>G, p.Ser281Arg (NM_001001890.3); short protein forms S281R, S308R.
Identifiers: ClinVar variation 4821605 (VCV004821605.4).